The following is an entry in ClinVar:

ClinVar aggregate classification (germline): Uncertain significance. Review status: criteria provided, multiple submitters, no conflicts (2 of 4 stars). 2 submissions from 2 submitters: Uncertain significance (2). Last evaluated 2025-10-17.

Conditions:
Inborn genetic diseases. Identifiers: MedGen C0950123, MeSH D030342.

gnomAD v4.1: 4 of 1,302,242 alleles (0.00031%); highest among the groups gnomAD compares: South Asian, 0.009%; no homozygotes.

Submissions (2):

Ambry Genetics
Classification: Uncertain significance for Inborn genetic diseases. Last evaluated: 2025-10-17. Review status: criteria provided, single submitter. Criteria: Ambry Variant Classification Scheme 2023. Collection method: clinical testing. Allele origin: germline.

GeneDx
Classification: Uncertain significance. Last evaluated: 2023-11-30. Review status: criteria provided, single submitter. Criteria: GeneDx Variant Classification Process June 2021. Collection method: clinical testing. Allele origin: germline. Affected: yes.
Comment: Not observed at significant frequency in large population cohorts (gnomAD); In silico analysis supports that this missense variant does not alter protein structure/function; Has not been previously published as pathogenic or benign to our knowledge

NM_000523.4(HOXD13):c.18C>G (p.Ser6Arg)

Gene: HOXD13 (homeobox D13; plus strand). Cytogenetic location: 2q31.1.
Variant type: single nucleotide variant.
Coding change: c.18C>G on transcript NM_000523.4 (MANE Select); coding-DNA position 18, C replaced by G.
Protein change: p.Ser6Arg; replaces serine 6 with arginine.
Molecular consequence: missense variant.
Genome position (GRCh38, 1-based): chr2:176,092,908, C>G. VCF-style: chr2-176092908-C-G. GRCh37 (hg19) VCF-style: chr2-176957636-C-G.
Other names: short protein forms S6R.
Identifiers: ClinVar variation 3365073 (VCV003365073.2).